The following is an entry in ClinVar:

ClinVar aggregate classification (germline): Conflicting classifications of pathogenicity. Review status: criteria provided, conflicting classifications (1 of 4 stars). 2 submissions from 2 submitters: Uncertain significance (1); Likely benign (1). Last evaluated 2024-10-31.

Conditions:
BAP1-related tumor predisposition syndrome (TPDS1). Also called: COMMON Syndrome; TUMOR PREDISPOSITION SYNDROME 1; BAP1 tumor predisposition syndrome; Tumor susceptibility linked to germline BAP1 mutations. Identifiers: Orphanet 289539, MedGen C3280492, MONDO:0013692, OMIM 614327.

Submissions (2):

Labcorp Genetics (formerly Invitae), Labcorp
Classification: Uncertain significance for BAP1-related tumor predisposition syndrome. Last evaluated: 2024-10-31. Review status: criteria provided, single submitter. Criteria: Invitae Variant Classification Sherloc (09022015). Collection method: clinical testing. Allele origin: germline.
Comment: This sequence change falls in intron 13 of the BAP1 gene. It does not directly change the encoded amino acid sequence of the BAP1 protein. It affects a nucleotide within the consensus splice site. This variant is not present in population databases (gnomAD no frequency). This variant has not been reported in the literature in individuals affected with BAP1-related conditions. ClinVar contains an entry for this variant (Variation ID: 1026847). Variants that disrupt the consensus splice site are a relatively common cause of aberrant splicing (PMID: 17576681, 9536098). Algorithms developed to predict the effect of sequence changes on RNA splicing suggest that this variant is not likely to affect RNA splicing. In summary, the available evidence is currently insufficient to determine the role of this variant in disease. Therefore, it has been classified as a Variant of Uncertain Significance.

Myriad Genetics, Inc.
Classification: Likely benign for BAP1-related tumor predisposition syndrome. Last evaluated: 2024-07-17. Review status: criteria provided, single submitter. Criteria: Myriad Autosomal Dominant, Autosomal Recessive and X-Linked Classification Criteria (2023). Collection method: clinical testing. Allele origin: unknown.
Comment: This variant is considered likely benign. This variant is intronic and is not expected to impact mRNA splicing.

Literature cited by the submitters: PubMed 17576681 (cited by Labcorp Genetics (formerly Invitae), Labcorp); PubMed 9536098 (cited by Labcorp Genetics (formerly Invitae), Labcorp).

NM_004656.4(BAP1):c.1729+6C>T

Gene: BAP1 (BRCA1 associated deubiquitinase 1; minus strand). Cytogenetic location: 3p21.1.
Variant type: single nucleotide variant.
Coding change: c.1729+6C>T on transcript NM_004656.4 (MANE Select); 6 bases into the intron after coding-DNA position 1729, C replaced by T.
Molecular consequence: intron variant.
Genome position (GRCh38, 1-based): chr3:52,403,410, G>A on the plus strand (C>T on the coding strand, the complement: BAP1 is on the minus strand). VCF-style: chr3-52403410-G-A. GRCh37 (hg19) VCF-style: chr3-52437426-G-A.
Identifiers: ClinVar variation 1026847 (VCV001026847.6), dbSNP rs1705034559, ClinGen allele CA1364836265.